The following is an entry in ClinVar:

NM_002471.4(MYH6):c.1489C>A (p.Leu497Met)

Gene: MYH6 (myosin heavy chain 6; minus strand). Cytogenetic location: 14q11.2.
Variant type: single nucleotide variant.
Coding change: c.1489C>A on transcript NM_002471.4 (MANE Select); coding-DNA position 1489, C replaced by A.
Protein change: p.Leu497Met; replaces leucine 497 with methionine.
Molecular consequence: missense variant.
Genome position (GRCh38, 1-based): chr14:23,400,348, G>T on the plus strand (C>A on the coding strand, the complement: MYH6 is on the minus strand). VCF-style: chr14-23400348-G-T. GRCh37 (hg19) VCF-style: chr14-23869557-G-T.
Other names: short protein forms L497M.
Identifiers: ClinVar variation 642507 (VCV000642507.6), dbSNP rs1315813996, ClinGen allele CA389022737.

ClinVar aggregate classification (germline): Uncertain significance. Review status: criteria provided, multiple submitters, no conflicts (2 of 4 stars). 2 submissions from 2 submitters: Uncertain significance (2). Last evaluated 2022-09-16.

Conditions:
Hypertrophic cardiomyopathy 14. Identifiers: MedGen C2750467, MONDO:0013197, OMIM 613251.
Cardiovascular phenotype. Identifiers: MedGen CN230736.

Allele frequency attached by ClinVar (database versions not stated): TOPMed below 0.00001.
gnomAD v4.1: 1 of 1,614,226 alleles (0.000062%); highest among the groups gnomAD compares: Non-Finnish European, 0.000085%; no homozygotes.

Submissions (2):

Ambry Genetics
Classification: Uncertain significance for Cardiovascular phenotype. Last evaluated: 2022-09-16. Review status: criteria provided, single submitter. Criteria: Ambry Variant Classification Scheme 2023. Collection method: clinical testing. Allele origin: germline.
Comment: The p.L497M variant (also known as c.1489C>A), located in coding exon 12 of the MYH6 gene, results from a C to A substitution at nucleotide position 1489. The leucine at codon 497 is replaced by methionine, an amino acid with highly similar properties. This amino acid position is conserved. In addition, the in silico prediction for this alteration is inconclusive. Since supporting evidence is limited at this time, the clinical significance of this alteration remains unclear.

Labcorp Genetics (formerly Invitae), Labcorp
Classification: Uncertain significance for Hypertrophic cardiomyopathy 14. Last evaluated: 2021-08-20. Review status: criteria provided, single submitter. Criteria: Invitae Variant Classification Sherloc (09022015). Collection method: clinical testing. Allele origin: germline.